The following is an entry in ClinVar:

ClinVar aggregate classification (germline): Likely benign (1 of 4 stars; one submission).

Allele frequency attached by ClinVar (database versions not stated): ExAC 0.00252; 1000 Genomes Project 0.00359; 1000 Genomes Project 30x 0.00359; gnomAD exomes 0.00591; gnomAD 0.00606; TOPMed 0.00622.
gnomAD v4.1: 3,181 of 534,172 alleles (0.6%); highest among the groups gnomAD compares: Non-Finnish European, 0.92%; 16 homozygotes.

Submissions (5):

CeGaT Center for Human Genetics Tuebingen
Classification: Likely benign. Last evaluated: 2022-11-01. Review status: criteria provided, single submitter. Criteria: CeGaT Center For Human Genetics Tuebingen Variant Classification Criteria Version 2. Collection method: clinical testing. Allele origin: germline. Affected: yes. Observed: 1 variant allele.
Comment: ETV6: BS2

Dr. Peter K. Rogan Lab, Western University
No classification provided (evidence only). Condition: Uterine corpus endometrial carcinoma. Review status: no classification provided. Collection method: in vitro. Allele origin: not applicable. Functional consequence: retained intron. Not counted in ClinVar's aggregate classification.

Dr. Peter K. Rogan Lab, Western University
No classification provided (evidence only). Condition: Cervical cancer. Review status: no classification provided. Collection method: in vitro. Allele origin: not applicable. Functional consequence: retained intron. Not counted in ClinVar's aggregate classification.

Dr. Peter K. Rogan Lab, Western University
No classification provided (evidence only). Condition: Sarcoma. Review status: no classification provided. Collection method: in vitro. Allele origin: not applicable. Functional consequence: retained intron. Not counted in ClinVar's aggregate classification.

Dr. Peter K. Rogan Lab, Western University
No classification provided (evidence only). Condition: Sarcoma. Review status: no classification provided. Collection method: in vitro. Allele origin: not applicable. Functional consequence: retained intron. Not counted in ClinVar's aggregate classification.

NM_001987.5(ETV6):c.*514C>T

Gene: ETV6 (ETS variant transcription factor 6; plus strand). Cytogenetic location: 12p13.2.
Variant type: single nucleotide variant.
Coding change: c.*514C>T on transcript NM_001987.5 (MANE Select); 514 bases downstream of the stop codon, C replaced by T.
Molecular consequence: 3 prime UTR variant.
Genome position (GRCh38, 1-based): chr12:11,891,560, C>T. VCF-style: chr12-11891560-C-T. GRCh37 (hg19) VCF-style: chr12-12044494-C-T.
Other names: NC_000012.11:g.12044494C>T; c.*514C>T (NM_001413913.1, NM_001413914.1, NM_001413915.1); c.*612C>T (NM_001413917.1).
Identifiers: ClinVar variation 2642733 (VCV002642733.25), dbSNP rs113420500, ClinGen allele CA6454474.